The following is an entry in ClinVar:

NM_007327.4(GRIN1):c.1198-6C>T

Gene: GRIN1 (glutamate ionotropic receptor NMDA type subunit 1; plus strand). Cytogenetic location: 9q34.3.
Variant type: single nucleotide variant.
Coding change: c.1198-6C>T on transcript NM_007327.4 (MANE Select); 6 bases into the intron before coding-DNA position 1198, C replaced by T.
Molecular consequence: intron variant.
Genome position (GRCh38, 1-based): chr9:137,161,050, C>T. VCF-style: chr9-137161050-C-T. GRCh37 (hg19) VCF-style: chr9-140055502-C-T.
Other names: c.1261-6C>T (NM_001185090.2, NM_001185091.2); c.1198-6C>T (NM_021569.4, NM_000832.7).
Identifiers: ClinVar variation 384549 (VCV000384549.10), dbSNP rs1057521991, ClinGen allele CA16605497.

ClinVar aggregate classification (germline): Conflicting classifications of pathogenicity. Review status: criteria provided, conflicting classifications (1 of 4 stars). 3 submissions from 3 submitters: Uncertain significance (1); Likely benign (2). Last evaluated 2024-02-23.

Conditions:
Inborn genetic diseases. Identifiers: MedGen C0950123, MeSH D030342.
Neurodevelopmental disorder with or without hyperkinetic movements and seizures, autosomal dominant. Also called: Intellectual disability, autosomal dominant 8. Identifiers: MedGen C3280282, MONDO:0013655, OMIM 614254.

Submissions (3):

Labcorp Genetics (formerly Invitae), Labcorp
Classification: Likely benign for Neurodevelopmental disorder with or without hyperkinetic movements and seizures, autosomal dominant. Last evaluated: 2024-02-23. Review status: criteria provided, single submitter. Criteria: Invitae Variant Classification Sherloc (09022015). Collection method: clinical testing. Allele origin: germline.

Ambry Genetics
Classification: Uncertain significance for Inborn genetic diseases. Last evaluated: 2021-05-20. Review status: criteria provided, single submitter. Criteria: Ambry Variant Classification Scheme 2023. Collection method: clinical testing. Allele origin: germline.
Comment: The c.1198-6C>T intronic alteration consists of a C to T substitution 6 nucleotides before exon 9 (coding exon 9) of the GRIN1 gene. Based on insufficient or conflicting evidence, the clinical significance of this alteration remains unclear.

GeneDx
Classification: Likely benign. Last evaluated: 2016-03-07. Review status: criteria provided, single submitter. Criteria: GeneDx Variant Classification (06012015). Collection method: clinical testing. Allele origin: germline. Affected: yes.
Comment: This variant is considered likely benign or benign based on one or more of the following criteria: it is a conservative change, it occurs at a poorly conserved position in the protein, it is predicted to be benign by multiple in silico algorithms, and/or has population frequency not consistent with disease.